The following is an entry in ClinVar:

ClinVar aggregate classification (germline): Uncertain significance. Review status: criteria provided, multiple submitters, no conflicts (2 of 4 stars). 2 submissions from 2 submitters: Uncertain significance (2). Last evaluated 2023-12-20.

Conditions:
Combined immunodeficiency due to OX40 deficiency. Also called: OX40 DEFICIENCY; Immunodeficiency 16. Identifiers: Orphanet 431149, MedGen C3810053, MONDO:0014268, OMIM 615593.

Allele frequency attached by ClinVar (database versions not stated): gnomAD exomes 0.00001 and 0.00004; gnomAD 0.00011; ExAC 0.00013; TOPMed 0.00014; ESP Exome Variant Server 0.00023.
gnomAD v4.1: 34 of 1,601,774 alleles (0.0021%); highest among the groups gnomAD compares: African/African-American, 0.036%; no homozygotes.

Submissions (2):

Ambry Genetics
Classification: Uncertain significance. Last evaluated: 2023-12-20. Review status: criteria provided, single submitter. Criteria: Ambry Variant Classification Scheme 2023. Collection method: clinical testing. Allele origin: germline.

Labcorp Genetics (formerly Invitae), Labcorp
Classification: Uncertain significance for Combined immunodeficiency due to OX40 deficiency. Last evaluated: 2023-05-15. Review status: criteria provided, single submitter. Criteria: Invitae Variant Classification Sherloc (09022015). Collection method: clinical testing. Allele origin: germline.
Comment: Advanced modeling of protein sequence and biophysical properties (such as structural, functional, and spatial information, amino acid conservation, physicochemical variation, residue mobility, and thermodynamic stability) performed at Invitae indicates that this missense variant is not expected to disrupt TNFRSF4 protein function. ClinVar contains an entry for this variant (Variation ID: 837159). In summary, the available evidence is currently insufficient to determine the role of this variant in disease. Therefore, it has been classified as a Variant of Uncertain Significance. This sequence change replaces glycine, which is neutral and non-polar, with arginine, which is basic and polar, at codon 68 of the TNFRSF4 protein (p.Gly68Arg). This variant is present in population databases (rs139254733, gnomAD 0.05%). This variant has not been reported in the literature in individuals affected with TNFRSF4-related conditions.

NM_003327.4(TNFRSF4):c.202G>A (p.Gly68Arg)

Gene: TNFRSF4 (TNF receptor superfamily member 4; minus strand). Cytogenetic location: 1p36.33.
Variant type: single nucleotide variant.
Coding change: c.202G>A on transcript NM_003327.4 (MANE Select); coding-DNA position 202, G replaced by A.
Protein change: p.Gly68Arg; replaces glycine 68 with arginine.
Molecular consequence: missense variant.
Genome position (GRCh38, 1-based): chr1:1,213,729, C>T on the plus strand (G>A on the coding strand, the complement: TNFRSF4 is on the minus strand). VCF-style: chr1-1213729-C-T. GRCh37 (hg19) VCF-style: chr1-1149109-C-T.
Other names: short protein forms G68R.
Identifiers: ClinVar variation 837159 (VCV000837159.10), dbSNP rs139254733, ClinGen allele CA512625.